The following is an entry in ClinVar:

ClinVar aggregate classification (germline): Uncertain significance. Review status: criteria provided, multiple submitters, no conflicts (2 of 4 stars). 2 submissions from 2 submitters: Uncertain significance (2). Last evaluated 2024-06-25.

Conditions:
Inborn genetic diseases. Identifiers: MedGen C0950123, MeSH D030342.

Allele frequency attached by ClinVar (database versions not stated): gnomAD exomes below 0.00001; gnomAD 0.00002; TOPMed 0.00006.
gnomAD v4.1: 7 of 1,613,500 alleles (0.00043%); highest among the groups gnomAD compares: African/African-American, 0.0027%; no homozygotes.

Submissions (2):

Ambry Genetics
Classification: Uncertain significance for Inborn genetic diseases. Last evaluated: 2024-06-25. Review status: criteria provided, single submitter. Criteria: Ambry Variant Classification Scheme 2023. Collection method: clinical testing. Allele origin: germline.

Labcorp Genetics (formerly Invitae), Labcorp
Classification: Uncertain significance. Last evaluated: 2022-08-21. Review status: criteria provided, single submitter. Criteria: Invitae Variant Classification Sherloc (09022015). Collection method: clinical testing. Allele origin: germline.
Comment: This sequence change replaces serine, which is neutral and polar, with phenylalanine, which is neutral and non-polar, at codon 2129 of the HERC1 protein (p.Ser2129Phe). This variant is not present in population databases (gnomAD no frequency). This variant has not been reported in the literature in individuals affected with HERC1-related conditions. Algorithms developed to predict the effect of missense changes on protein structure and function are either unavailable or do not agree on the potential impact of this missense change (SIFT: "Deleterious"; PolyPhen-2: "Benign"; Align-GVGD: "Class C25"). In summary, the available evidence is currently insufficient to determine the role of this variant in disease. Therefore, it has been classified as a Variant of Uncertain Significance.

NM_003922.4(HERC1):c.6386C>T (p.Ser2129Phe)

Gene: HERC1 (HECT and RLD domain containing E3 ubiquitin protein ligase family member 1; minus strand). Cytogenetic location: 15q22.31.
Variant type: single nucleotide variant.
Coding change: c.6386C>T on transcript NM_003922.4 (MANE Select); coding-DNA position 6386, C replaced by T.
Protein change: p.Ser2129Phe; replaces serine 2129 with phenylalanine.
Molecular consequence: missense variant.
Genome position (GRCh38, 1-based): chr15:63,680,616, G>A on the plus strand (C>T on the coding strand, the complement: HERC1 is on the minus strand). VCF-style: chr15-63680616-G-A. GRCh37 (hg19) VCF-style: chr15-63972815-G-A.
Other names: c.6386C>T (NM_003922.3); short protein forms S2129F.
Identifiers: ClinVar variation 1898644 (VCV001898644.3), dbSNP rs1193286188, ClinGen allele CA392741282.